The following is an entry in ClinVar:

NM_000541.5(SAG):c.1020_1022+9dup

Gene: SAG (S-antigen visual arrestin; plus strand). Cytogenetic location: 2q37.1.
Variant type: Duplication.
Coding change: c.1020_1022+9dup on transcript NM_000541.5 (MANE Select); coding-DNA position 1020 through 9 bases into the intron after coding-DNA position 1022, 12 bases duplicated (AGGGTAAGTGTC).
Molecular consequence: splice donor variant.
Genome position (GRCh38, 1-based): chr2:233,338,751-233,338,762, AGGGTAAGTGTC duplicated; duplicating any 12 consecutive bases within chr2:233,338,745-233,338,762 gives the same sequence; the c. name uses the placement nearest the transcript's 3' end. VCF-style (leftmost placement, unchanged base first): chr2-233338744-C-CAGTGTCAGGGTA. GRCh37 (hg19) VCF-style: chr2-234247390-C-CAGTGTCAGGGTA.
Identifiers: ClinVar variation 3727527 (VCV003727527.2).

ClinVar aggregate classification (germline): Uncertain significance (1 of 4 stars; one submission).

Submission:

Labcorp Genetics (formerly Invitae), Labcorp
Classification: Uncertain significance. Last evaluated: 2025-03-05. Review status: criteria provided, single submitter. Criteria: Invitae Variant Classification Sherloc (09022015). Collection method: clinical testing. Allele origin: germline.
Comment: This sequence change falls in intron 12 of the SAG gene. It does not directly change the encoded amino acid sequence of the SAG protein. This variant is not present in population databases (gnomAD no frequency). This variant has not been reported in the literature in individuals affected with SAG-related conditions. Experimental studies and prediction algorithms are not available or were not evaluated, and the functional significance of this variant is currently unknown. In summary, the available evidence is currently insufficient to determine the role of this variant in disease. Therefore, it has been classified as a Variant of Uncertain Significance.